The following is an entry in ClinVar:

ClinVar aggregate classification (germline): Uncertain significance (1 of 4 stars; one submission).

gnomAD v4.1: 3 of 1,613,930 alleles (0.00019%); highest among the groups gnomAD compares: East Asian, 0.0022%; no homozygotes.

Submission:

Labcorp Genetics (formerly Invitae), Labcorp
Classification: Uncertain significance. Last evaluated: 2025-06-16. Review status: criteria provided, single submitter. Criteria: Invitae Variant Classification Sherloc (09022015). Collection method: clinical testing. Allele origin: germline.
Comment: This sequence change replaces serine, which is neutral and polar, with leucine, which is neutral and non-polar, at codon 420 of the TET2 protein (p.Ser420Leu). This variant is present in population databases (rs148345467, gnomAD 0.0009%). This variant has not been reported in the literature in individuals affected with TET2-related conditions. ClinVar contains an entry for this variant (Variation ID: 3621979). An algorithm developed to predict the effect of missense changes on protein structure and function outputs the following: PolyPhen-2: "Benign". The leucine amino acid residue is found in multiple mammalian species, which suggests that this missense change does not adversely affect protein function. In summary, the available evidence is currently insufficient to determine the role of this variant in disease. Therefore, it has been classified as a Variant of Uncertain Significance.

NM_001127208.3(TET2):c.1259C>T (p.Ser420Leu)

Genes: TET2 (tet methylcytosine dioxygenase 2; plus strand), TET2-AS1 (TET2 antisense RNA 1; minus strand). Cytogenetic location: 4q24.
Variant type: single nucleotide variant.
Coding change: c.1259C>T on transcript NM_001127208.3 (MANE Select); coding-DNA position 1259, C replaced by T.
Protein change: p.Ser420Leu; replaces serine 420 with leucine.
Molecular consequence: missense variant.
Genome position (GRCh38, 1-based): chr4:105,235,201, C>T. VCF-style: chr4-105235201-C-T. GRCh37 (hg19) VCF-style: chr4-106156358-C-T.
Other names: c.1259C>T, p.Ser420Leu (NM_017628.4); short protein forms S420L.
Identifiers: ClinVar variation 3621979 (VCV003621979.2).
Genomic context (GRCh38, chr4:105,235,201, plus strand): 5'-CACCATCACAATTGCTTCTTTCTCCCCCTCCTCCTCTTCCACAGGTTCCTCAGCTTCCTT[C>T]AGAAGGAAAAAGCACTCTGAATGGTGGAGTTTTAGAAGAACACCACCACTACCCCAACCA-3'
Protein context (NP_001120680.1, residues 410-430): PPLPQVPQLP[Ser420Leu]EGKSTLNGGV